The following is an entry in ClinVar:

NM_001267550.2(TTN):c.4747C>A (p.Pro1583Thr)

Genes: TTN (titin; minus strand), LOC101927055 (uncharacterized LOC101927055; plus strand). Cytogenetic location: 2q31.2.
Variant type: single nucleotide variant.
Coding change: c.4747C>A on transcript NM_001267550.2 (MANE Select); coding-DNA position 4747, C replaced by A.
Protein change: p.Pro1583Thr; replaces proline 1583 with threonine.
Molecular consequence: missense variant. On other transcripts: non-coding transcript variant (1).
Genome position (GRCh38, 1-based): chr2:178,777,216, G>T on the plus strand (C>A on the coding strand, the complement: TTN is on the minus strand). VCF-style: chr2-178777216-G-T. GRCh37 (hg19) VCF-style: chr2-179641943-G-T.
Other names: c.4747C>A, p.Pro1583Thr (NM_001256850.1, NM_133378.4, NM_133379.5); c.4609C>A, p.Pro1537Thr (NM_003319.4, NM_133432.3, NM_133437.4); short protein forms P1537T, P1583T.
Identifiers: ClinVar variation 4993851 (VCV004993851.1).

ClinVar aggregate classification (germline): Uncertain significance (1 of 4 stars; one submission).

Conditions:
TTN-related disorder. Also called: TTN-related disorders; TTN-related condition; TTN-related disease.

gnomAD v4.1: 3 of 1,613,920 alleles (0.00019%); highest among the groups gnomAD compares: African/African-American, 0.0027%; no homozygotes.

Submission:

PreventionGenetics, part of Exact Sciences
Classification: Uncertain significance for TTN-related condition. Last evaluated: 2026-09-03. Review status: criteria provided, single submitter. Criteria: ACMG Guidelines, 2015. Collection method: clinical testing. Allele origin: germline.
Comment: The TTN c.4747C>A variant is predicted to result in the amino acid substitution p.Pro1583Thr. To our knowledge, this variant has not been reported in the literature. This variant is reported in 0.011% of alleles in individuals of African descent in gnomAD. At this time, the clinical significance of this variant is uncertain due to the absence of conclusive functional and genetic evidence.